The following is an entry in ClinVar:

NM_000426.4(LAMA2):c.2857-2A>G

Gene: LAMA2 (laminin subunit alpha 2; plus strand). Cytogenetic location: 6q22.33.
Variant type: single nucleotide variant.
Coding change: c.2857-2A>G on transcript NM_000426.4 (MANE Select); the canonical splice acceptor site of the intron before coding-DNA position 2857, A replaced by G.
Molecular consequence: splice acceptor variant.
Genome position (GRCh38, 1-based): chr6:129,297,683, A>G. VCF-style: chr6-129297683-A-G. GRCh37 (hg19) VCF-style: chr6-129618828-A-G.
Other names: c.2857-2A>G (NM_001079823.2).
Identifiers: ClinVar variation 3900978 (VCV003900978.1).
Genomic context (GRCh38, chr6:129,297,683, plus strand): 5'-ATCTTGCTTCACTTCGAGTTAACTGATTTAAATTTAATTTTTCTCTCCTCTTCCATTGCC[A>G]GGCTGGGACCTTTGGCCTACAATCAGCAAGGGGCTGTGTTCCCTGCAACTGCAATTCTTT-3'

ClinVar aggregate classification (germline): Likely pathogenic (0 of 4 stars; one submission).

Conditions:
Merosin deficient congenital muscular dystrophy (MDC1A). Also called: Congenital merosin-deficient muscular dystrophy 1A; Congenital Muscular Dystrophy Type 1A (MDC1A). Identifiers: Orphanet 258, MedGen C1263858, MONDO:0011925, OMIM 607855.

gnomAD v4.1: 1 of 1,613,530 alleles (0.000062%); no homozygotes.

Submission:

Dr. Oladnabi Research Group, Golestan University of Medical Sciences
Classification: Likely pathogenic for Merosin deficient congenital muscular dystrophy. Review status: no assertion criteria provided. Collection method: clinical testing. Allele origin: inherited. Affected: yes. Observed: 1 compound heterozygote.
Comment: This novel variant (c.2857-2A>G) affects a canonical acceptor splice site the LAMA2 gene and is predicted to disrupt normal mRNA splicing. According to ACMG guidelines, it is classified as likely pathogenic based on: PVS1: Canonical splice site variant expected to result in abnormal splicing and loss of function PM2: Not observed in large population databases (e.g., gnomAD) The variant was observed in compound heterozygosity with a pathogenic frameshift variant (c.2049_2050del) in a patient clinically diagnosed with autosomal recessive merosin-deficient congenital muscular dystrophy type 1A (MDC1A), supporting its pathogenic relevance.

Literature cited by the submitters: NCBI Bookshelf NBK97333.